The following is an entry in ClinVar:

ClinVar aggregate classification (germline): Pathogenic. Review status: reviewed by expert panel (3 of 4 stars). 5 submissions from 5 submitters: Pathogenic (1). 4 of the submissions do not count toward it. Last evaluated 2016-09-08.

Conditions:
Hereditary cancer-predisposing syndrome. Also called: Tumor predisposition; Neoplastic Syndromes, Hereditary; Hereditary Cancer Syndrome; Hereditary neoplastic syndrome. Identifiers: Orphanet 140162, MedGen C0027672, MeSH D009386, MONDO:0015356.
Breast-ovarian cancer, familial, susceptibility to, 1 (BROVCA1). Also called: OVARIAN CANCER, SUSCEPTIBILITY TO; BRCA1 Hereditary Breast and Ovarian Cancer. Identifiers: Orphanet 145, MedGen C2676676, MONDO:0011450, OMIM 604370. Disease mechanism: loss of function.

Submissions (5):

Evidence-based Network for the Interpretation of Germline Mutant Alleles (ENIGMA)
Classification: Pathogenic for Breast-ovarian cancer, familial, susceptibility to, 1. Last evaluated: 2016-09-08. Review status: reviewed by expert panel. Criteria: ENIGMA BRCA1/2 Classification Criteria (2015). Collection method: curation. Allele origin: germline.
Comment: Variant allele predicted to encode a truncated non-functional protein.

Color Diagnostics, LLC DBA Color Health
Classification: Pathogenic for Hereditary cancer-predisposing syndrome. Last evaluated: 2023-05-30. Review status: criteria provided, single submitter. Criteria: ACMG Guidelines, 2015. Collection method: clinical testing. Allele origin: germline. Not counted in ClinVar's aggregate classification.
Comment: This variant deletes 2 nucleotides in exon 10 of the BRCA1 gene, creating a frameshift and premature translation stop signal. This variant is expected to result in an absent or non-functional protein product. This variant has been reported in an individual affected with breast and ovarian cancer (PMID: 11139249). This variant has not been identified in the general population by the Genome Aggregation Database (gnomAD). Loss of BRCA1 function is a known mechanism of disease. Based on the available evidence, this variant is classified as Pathogenic.

Clinical Genetics Laboratory, Skane University Hospital Lund
Classification: Pathogenic. Last evaluated: 2022-10-27. Review status: criteria provided, single submitter. Criteria: ACMG Guidelines, 2015. Collection method: clinical testing. Allele origin: germline. Affected: yes. Not counted in ClinVar's aggregate classification.

Ambry Genetics
Classification: Pathogenic for Hereditary cancer-predisposing syndrome. Last evaluated: 2017-09-27. Review status: criteria provided, single submitter. Criteria: Ambry Variant Classification Scheme 2023. Collection method: clinical testing. Allele origin: germline. Not counted in ClinVar's aggregate classification.
Comment: The c.1729_1730delGA pathogenic mutation, located in coding exon 9 of the BRCA1 gene, results from a deletion of two nucleotides at nucleotide positions 1729 to 1730, causing a translational frameshift with a predicted alternate stop codon (p.E577Ifs*8). This mutation, designated as 1848delGA, was previously identified in a hereditary breast and ovarian cancer family (Vaziri SA et al. Hum. Mutat., 2001;17:74). In addition to the clinical data presented in the literature, this alteration is expected to result in loss of function by premature protein truncation or nonsense-mediated mRNA decay. As such, this alteration is interpreted as a disease-causing mutation.

Breast Cancer Information Core (BIC) (BRCA1)
Classification: Pathogenic for Breast-ovarian cancer, familial 1. Review status: no assertion criteria provided. Collection method: clinical testing. Allele origin: germline. Affected: yes. Observed: 1 variant allele. Not counted in ClinVar's aggregate classification.

Literature cited by the submitters: PubMed 11139249 (cited by Color Diagnostics, LLC DBA Color Health and Ambry Genetics).

NM_007294.4(BRCA1):c.1729_1730del (p.Glu577fs)

Gene: BRCA1 (BRCA1 DNA repair associated; minus strand). Cytogenetic location: 17q21.31.
Variant type: Deletion.
Coding change: c.1729_1730del on transcript NM_007294.4 (MANE Select); coding-DNA positions 1729 to 1730, 2 bases deleted (GA; older notation c.1729_1730delGA).
Protein change: p.Glu577fs; shifts the reading frame from glutamic acid 577.
Molecular consequence: frameshift variant. On other transcripts: intron variant (137).
Genome position (GRCh38, 1-based): chr17:43,093,801-43,093,802, TC deleted on the plus strand (GA on the coding strand, the reverse complement: BRCA1 is on the minus strand); deleting any 2 consecutive bases within chr17:43,093,801-43,093,803 gives the same sequence; the c. name uses the placement nearest the transcript's 3' end. VCF-style (leftmost placement, unchanged base first): chr17-43093800-TTC-T. GRCh37 (hg19) VCF-style: chr17-41245817-TTC-T.
Other names: 1848delGA; c.1729_1730delGA (NM_007294.3); c.1585_1586del, p.Glu529fs (NM_001407742.1, NM_001407743.1, NM_001407744.1 and 20 more transcripts); c.1588_1589del, p.Glu530fs (NM_001407750.1, NM_001407751.1, NM_001407752.1 and 29 more transcripts); c.1516_1517del, p.Glu506fs (NM_001407853.1, NM_001407894.1, NM_001407895.1 and 9 more transcripts); c.1729_1730del, p.Glu577fs (NM_001407854.1, NM_001407858.1, NM_001407859.1 and 30 more transcripts); c.1726_1727del, p.Glu576fs (NM_001407860.1, NM_001407861.1, NM_001407587.1 and 22 more transcripts); c.1528_1529del, p.Glu510fs (NM_001407862.1); and 42 more; short protein forms E530fs, E577fs, E489fs, E550fs, E574fs, E576fs, E281fs, E409fs.
Identifiers: ClinVar variation 54336 (VCV000054336.9), dbSNP rs80357834, ClinGen allele CA001132.